The following is an entry in ClinVar:

ClinVar aggregate classification (germline): Likely benign (0 of 4 stars; one submission).

Conditions:
TRMT10C-related disorder. Also called: TRMT10C-related condition.

Submission:

PreventionGenetics, part of Exact Sciences
Classification: Likely benign for TRMT10C-related condition. Last evaluated: 2019-12-06. Review status: no assertion criteria provided. Collection method: clinical testing. Allele origin: germline.
Comment: This variant is classified as likely benign based on ACMG/AMP sequence variant interpretation guidelines (Richards et al. 2015 PMID: 25741868, with internal and published modifications).

NM_017819.4(TRMT10C):c.963A>T (p.Thr321=)

Gene: TRMT10C (tRNA methyltransferase 10C, mitochondrial RNase P subunit; plus strand). Cytogenetic location: 3q12.3.
Variant type: single nucleotide variant.
Coding change: c.963A>T on transcript NM_017819.4 (MANE Select); coding-DNA position 963, A replaced by T.
Protein change: p.Thr321=; no amino-acid change (threonine 321 retained).
Molecular consequence: synonymous variant.
Genome position (GRCh38, 1-based): chr3:101,565,744, A>T. VCF-style: chr3-101565744-A-T. GRCh37 (hg19) VCF-style: chr3-101284588-A-T.
Identifiers: ClinVar variation 3353886 (VCV003353886.1).